The following is an entry in ClinVar:

NM_020297.4(ABCC9):c.1975A>C (p.Thr659Pro)

Gene: ABCC9 (ATP binding cassette subfamily C member 9; minus strand). Cytogenetic location: 12p12.1.
Variant type: single nucleotide variant.
Coding change: c.1975A>C on transcript NM_020297.4 (MANE Select); coding-DNA position 1975, A replaced by C.
Protein change: p.Thr659Pro; replaces threonine 659 with proline.
Molecular consequence: missense variant.
Genome position (GRCh38, 1-based): chr12:21,882,810, T>G on the plus strand (A>C on the coding strand, the complement: ABCC9 is on the minus strand). VCF-style: chr12-21882810-T-G. GRCh37 (hg19) VCF-style: chr12-22035744-T-G.
Other names: c.1975A>C, p.Thr659Pro (NM_001377273.1, NM_005691.4); c.1111A>C, p.Thr371Pro (NM_001377274.1); short protein forms T371P, T659P.
Identifiers: ClinVar variation 3652672 (VCV003652672.2).
Genomic context (GRCh38, chr12:21,882,810, plus strand): 5'-AGGAAATAAAAATAACCTTTATTGCAATGTCCTCTGTTTCTGCGGGACGTAGACGCCGTG[T>G]TGATTGCTCATAGCTGTCCAGGTGATATCTTCCAGGCTGTTTCCTGTTTATAGTTTTTGG-3'
Protein context (NP_064693.2, residues 649-669): RYHLDSYEQS[Thr659Pro]RRLRPAETED

ClinVar aggregate classification (germline): Uncertain significance (1 of 4 stars; one submission).

Conditions:
Dilated cardiomyopathy 1O (CMD1O). Also called: CARDIOMYOPATHY, DILATED, WITH VENTRICULAR TACHYCARDIA. Identifiers: Orphanet 154, MedGen C1837839, MONDO:0012062, OMIM 608569.

Submission:

Labcorp Genetics (formerly Invitae), Labcorp
Classification: Uncertain significance for Dilated cardiomyopathy 1O. Last evaluated: 2024-05-08. Review status: criteria provided, single submitter. Criteria: Invitae Variant Classification Sherloc (09022015). Collection method: clinical testing. Allele origin: germline.
Comment: This sequence change replaces threonine, which is neutral and polar, with proline, which is neutral and non-polar, at codon 659 of the ABCC9 protein (p.Thr659Pro). This variant is not present in population databases (gnomAD no frequency). This variant has not been reported in the literature in individuals affected with ABCC9-related conditions. Advanced modeling of protein sequence and biophysical properties (such as structural, functional, and spatial information, amino acid conservation, physicochemical variation, residue mobility, and thermodynamic stability) performed at Invitae indicates that this missense variant is not expected to disrupt ABCC9 protein function with a negative predictive value of 95%. In summary, the available evidence is currently insufficient to determine the role of this variant in disease. Therefore, it has been classified as a Variant of Uncertain Significance.